The following is an entry in ClinVar:

ClinVar aggregate classification (germline): Uncertain significance. Review status: criteria provided, multiple submitters, no conflicts (2 of 4 stars). 2 submissions from 2 submitters: Uncertain significance (2). Last evaluated 2025-02-12.

Conditions:
Inborn genetic diseases. Identifiers: MedGen C0950123, MeSH D030342.

Allele frequency attached by ClinVar (database versions not stated): gnomAD 0.00001; TOPMed 0.00001.
gnomAD v4.1: 9 of 1,613,792 alleles (0.00056%); highest among the groups gnomAD compares: Admixed American, 0.0033%; no homozygotes.

Submissions (2):

Ambry Genetics
Classification: Uncertain significance for Inborn genetic diseases. Last evaluated: 2025-02-12. Review status: criteria provided, single submitter. Criteria: Ambry Variant Classification Scheme 2023. Collection method: clinical testing. Allele origin: germline.

Laboratory for Molecular Medicine, Mass General Brigham Personalized Medicine
Classification: Uncertain significance. Last evaluated: 2017-04-17. Review status: criteria provided, single submitter. Criteria: LMM Criteria. Collection method: clinical testing. Allele origin: germline. Observed: 1 variant allele.
Comment: The p.Arg513Cys variant in ILDR1 has not been previously reported in individuals with hearing loss, but it has been identified in 2/11254 Latino chromosomes by the Exome Aggregation Consortium (ExAC; dbSNP rs 767668911). Although this variant has been seen in the general population, its f requency is not high enough to rule out a pathogenic role. The arginine (Arg) at position 513 is highly conserved in mammals with two species (Green monkey, les ser Egyptian jerboa) having a cysteine (Cys), supporting that this change at thi s position may be tolerated. Additional computational prediction tools do not p rovide strong support for or against an impact to the protein. In summary, while the clinical significance of the p.Arg513Cys variant is uncertain, the conserva tion data suggest that it is more likely to be benign.

NM_001199799.2(ILDR1):c.1537C>T (p.Arg513Cys)

Gene: ILDR1 (immunoglobulin like domain containing receptor 1; minus strand). Cytogenetic location: 3q13.33.
Variant type: single nucleotide variant.
Coding change: c.1537C>T on transcript NM_001199799.2 (MANE Select); coding-DNA position 1537, C replaced by T.
Protein change: p.Arg513Cys; replaces arginine 513 with cysteine.
Molecular consequence: missense variant.
Genome position (GRCh38, 1-based): chr3:121,993,212, G>A on the plus strand (C>T on the coding strand, the complement: ILDR1 is on the minus strand). VCF-style: chr3-121993212-G-A. GRCh37 (hg19) VCF-style: chr3-121712059-G-A.
Other names: c.1270C>T, p.Arg424Cys (NM_001199800.2); c.1405C>T, p.Arg469Cys (NM_175924.4); short protein forms R513C, R424C, R469C.
Identifiers: ClinVar variation 517336 (VCV000517336.5), dbSNP rs767668911, ClinGen allele CA2568632.